The following is an entry in ClinVar:

ClinVar aggregate classification (germline): Uncertain significance (1 of 4 stars; one submission).

Conditions:
Bardet-Biedl syndrome (BBS). Identifiers: Orphanet 110, MedGen C0752166, MONDO:0015229.

Submission:

Labcorp Genetics (formerly Invitae), Labcorp
Classification: Uncertain significance for Bardet-Biedl syndrome. Last evaluated: 2022-11-01. Review status: criteria provided, single submitter. Criteria: Invitae Variant Classification Sherloc (09022015). Collection method: clinical testing. Allele origin: germline.
Comment: Algorithms developed to predict the effect of missense changes on protein structure and function are either unavailable or do not agree on the potential impact of this missense change (SIFT: "Not Available"; PolyPhen-2: "Benign"; Align-GVGD: "Not Available"). In summary, the available evidence is currently insufficient to determine the role of this variant in disease. Therefore, it has been classified as a Variant of Uncertain Significance. This sequence change replaces glutamic acid, which is acidic and polar, with leucine, which is neutral and non-polar, at codon 331 of the TRIM32 protein (p.Glu331Leu). Information on the frequency of this variant in the gnomAD database is not available, as this variant may be reported differently in the database. This variant has not been reported in the literature in individuals affected with TRIM32-related conditions. ClinVar contains an entry for this variant (Variation ID: 1353021).

NM_012210.4(TRIM32):c.991_992delinsTT (p.Glu331Leu)

Genes: ASTN2 (astrotactin 2; minus strand), TRIM32 (tripartite motif containing 32; plus strand). Cytogenetic location: 9q33.1.
Variant type: Indel.
Coding change: c.991_992delinsTT on transcript NM_012210.4 (MANE Select); coding-DNA positions 991 to 992, GA replaced by TT.
Protein change: p.Glu331Leu; replaces glutamic acid 331 with leucine.
Molecular consequence: missense variant. On other transcripts: intron variant (3).
Genome position (GRCh38, 1-based): chr9:116,698,733-116,698,734, GA replaced by TT. VCF-style: chr9-116698733-GA-TT. GRCh37 (hg19) VCF-style: chr9-119461012-GA-TT.
Other names: c.991_992delinsTT, p.Glu331Leu (NM_001099679.2, NM_001379048.1, NM_001379049.1 and 1 more transcripts); c.2653+27037_2653+27038delinsAA (NM_014010.5); c.2794+27037_2794+27038delinsAA (NM_001365069.1); c.2806+27037_2806+27038delinsAA (NM_001365068.1); short protein forms E331L.
Identifiers: ClinVar variation 1353021 (VCV001353021.6), dbSNP rs2132073592, ClinGen allele CA2573143776.